The following is an entry in ClinVar:

ClinVar aggregate classification (germline): Uncertain significance (1 of 4 stars; one submission).

Conditions:
Lipodystrophy, partial, acquired, susceptibility to (APLD). Also called: APLD, SUSCEPTIBILITY TO. Identifiers: MedGen C3887501, MONDO:0100476, OMIM 608709.
Progressive myoclonic epilepsy type 9. Identifiers: Orphanet 457265, MedGen C4225289, MONDO:0014685, OMIM 616540.

Allele frequency attached by ClinVar (database versions not stated): gnomAD 0.00001; TOPMed below 0.00001.

Submission:

Labcorp Genetics (formerly Invitae), Labcorp
Classification: Uncertain significance for Progressive myoclonic epilepsy type 9; Lipodystrophy, partial, acquired, susceptibility to. Last evaluated: 2025-07-10. Review status: criteria provided, single submitter. Criteria: Invitae Variant Classification Sherloc (09022015). Collection method: clinical testing. Allele origin: germline.
Comment: This sequence change replaces glutamic acid, which is acidic and polar, with lysine, which is basic and polar, at codon 477 of the LMNB2 protein (p.Glu477Lys). This variant is not present in population databases (gnomAD no frequency). This variant has not been reported in the literature in individuals affected with LMNB2-related conditions. ClinVar contains an entry for this variant (Variation ID: 2922820). Invitae Evidence Modeling of protein sequence and biophysical properties (such as structural, functional, and spatial information, amino acid conservation, physicochemical variation, residue mobility, and thermodynamic stability) indicates that this missense variant is expected to disrupt LMNB2 protein function with a positive predictive value of 80%. In summary, the available evidence is currently insufficient to determine the role of this variant in disease. Therefore, it has been classified as a Variant of Uncertain Significance.

NM_032737.4(LMNB2):c.1429G>A (p.Glu477Lys)

Gene: LMNB2 (lamin B2; minus strand). Cytogenetic location: 19p13.3.
Variant type: single nucleotide variant.
Coding change: c.1429G>A on transcript NM_032737.4 (MANE Select); coding-DNA position 1429, G replaced by A.
Protein change: p.Glu477Lys; replaces glutamic acid 477 with lysine.
Molecular consequence: missense variant.
Genome position (GRCh38, 1-based): chr19:2,433,879, C>T on the plus strand (G>A on the coding strand, the complement: LMNB2 is on the minus strand). VCF-style: chr19-2433879-C-T. GRCh37 (hg19) VCF-style: chr19-2433877-C-T.
Other names: short protein forms E477K.
Identifiers: ClinVar variation 2922820 (VCV002922820.3), dbSNP rs771064974, ClinGen allele CA304224961.